The following is an entry in ClinVar:

NM_000390.4(CHM):c.1369del (p.Val456_Leu457insTer)

Gene: CHM (CHM Rab escort protein; minus strand). Cytogenetic location: Xq21.2.
Variant type: Deletion.
Coding change: c.1369del on transcript NM_000390.4 (MANE Select); coding-DNA position 1369, one base deleted (C; older notation c.1369delC).
Protein change: p.Val456_Leu457insTer.
Molecular consequence: nonsense.
Genome position (GRCh38, 1-based): chrX:85,900,690, G deleted on the plus strand (C on the coding strand, the reverse complement: CHM is on the minus strand). VCF-style (leftmost placement, unchanged base first): chrX-85900689-AG-A. GRCh37 (hg19) VCF-style: chrX-85155694-AG-A.
Other names: c.925del, p.Val308_Leu309insTer (NM_001320959.1, NM_001362517.1, NM_001362518.2 and 1 more transcripts).
Identifiers: ClinVar variation 961256 (VCV000961256.7), dbSNP rs1926207659, ClinGen allele CA1139667704.

ClinVar aggregate classification (germline): Pathogenic (1 of 4 stars; one submission).

Submission:

Labcorp Genetics (formerly Invitae), Labcorp
Classification: Pathogenic. Last evaluated: 2021-10-08. Review status: criteria provided, single submitter. Criteria: Invitae Variant Classification Sherloc (09022015). Collection method: clinical testing. Allele origin: germline.
Comment: For these reasons, this variant has been classified as Pathogenic. Loss-of-function variants in CHM are known to be pathogenic (PMID: 9067750, 23811034). This variant has not been reported in the literature in individuals with CHM-related conditions. This variant is not present in population databases (ExAC no frequency). This sequence change creates a premature translational stop signal (p.Leu457*) in the CHM gene. It is expected to result in an absent or disrupted protein product.

Literature cited by the submitters: PubMed 9067750; PubMed 23811034.